The following is an entry in ClinVar:

ClinVar aggregate classification (germline): Pathogenic (1 of 4 stars; one submission).

Conditions:
Nephrotic syndrome, type 2 (NPHS2). Also called: NEPHROTIC SYNDROME, STEROID-RESISTANT, AUTOSOMAL RECESSIVE. Identifiers: Orphanet 656, MedGen C1868672, MONDO:0010974, OMIM 600995.

Submission:

3billion
Classification: Pathogenic for Nephrotic syndrome, type 2. Last evaluated: 2026-01-27. Review status: criteria provided, single submitter. Criteria: ACMG Guidelines, 2015. Collection method: clinical testing. Allele origin: germline. Affected: yes.
Comment: The variant is not observed in the gnomAD v4.1.0 dataset. Predicted Consequence/Location: Frameshift: predicted to result in a loss or disruption of normal protein function through nonsense-mediated decay (NMD) or protein truncation. Multiple pathogenic variants are reported downstream of the variant. The variant has been reported to be associated with NPHS2-related disorder (PMID: 25349199 /3billion dataset). Therefore, this variant is classified as Pathogenic according to the recommendation of ACMG/AMP guideline.

Literature cited by the submitters: PubMed 25349199.

NM_014625.4(NPHS2):c.596dup (p.Asn199fs)

Gene: NPHS2 (NPHS2 stomatin family member, podocin; minus strand). Cytogenetic location: 1q25.2.
Variant type: Duplication.
Coding change: c.596dup on transcript NM_014625.4 (MANE Select); coding-DNA position 596, one base duplicated (A; older notation c.596dupA).
Protein change: p.Asn199fs; shifts the reading frame from asparagine 199.
Molecular consequence: frameshift variant. On other transcripts: intron variant (1).
Genome position (GRCh38, 1-based): chr1:179,557,169, T duplicated on the plus strand (A on the coding strand, the reverse complement: NPHS2 is on the minus strand); the first of 4 consecutive T bases (chr1:179,557,169-179,557,172); duplicating any one gives the same sequence. VCF-style (leftmost placement, unchanged base first): chr1-179557168-A-AT. GRCh37 (hg19) VCF-style: chr1-179526303-A-AT.
Other names: c.534+2510dup (NM_001297575.2); short protein forms N199fs.
Identifiers: ClinVar variation 4855627 (VCV004855627.1).